The following is an entry in ClinVar:

ClinVar aggregate classification (germline): Uncertain significance (1 of 4 stars; one submission).

Submission:

Labcorp Genetics (formerly Invitae), Labcorp
Classification: Uncertain significance. Last evaluated: 2023-10-03. Review status: criteria provided, single submitter. Criteria: Invitae Variant Classification Sherloc (09022015). Collection method: clinical testing. Allele origin: germline.
Comment: This sequence change affects an acceptor splice site in intron 1 of the GUF1 gene. It is expected to disrupt RNA splicing. Variants that disrupt the donor or acceptor splice site typically lead to a loss of protein function (PMID: 16199547), however the current clinical and genetic evidence is not sufficient to establish whether loss-of-function variants in GUF1 cause disease. This variant is not present in population databases (gnomAD no frequency). This variant has not been reported in the literature in individuals affected with GUF1-related conditions. ClinVar contains an entry for this variant (Variation ID: 1909540). Algorithms developed to predict the effect of sequence changes on RNA splicing suggest that this variant may disrupt the consensus splice site. In summary, the available evidence is currently insufficient to determine the role of this variant in disease. Therefore, it has been classified as a Variant of Uncertain Significance.

Literature cited by the submitters: PubMed 16199547.

NM_021927.3(GUF1):c.166-2A>C

Gene: GUF1 (GTP binding elongation factor GUF1; plus strand). Cytogenetic location: 4p12.
Variant type: single nucleotide variant.
Coding change: c.166-2A>C on transcript NM_021927.3 (MANE Select); the canonical splice acceptor site of the intron before coding-DNA position 166, A replaced by C.
Molecular consequence: splice acceptor variant. On other transcripts: intron variant (1).
Genome position (GRCh38, 1-based): chr4:44,680,439, A>C. VCF-style: chr4-44680439-A-C. GRCh37 (hg19) VCF-style: chr4-44682456-A-C.
Other names: c.166-2A>C (NM_001345868.2); c.-803-2A>C (NM_001345867.2); c.-695-255A>C (NM_001345869.2).
Identifiers: ClinVar variation 1909540 (VCV001909540.5), dbSNP rs2545488698, ClinGen allele CA356760438.